The following is an entry in ClinVar:

NM_000540.3(RYR1):c.2585T>G (p.Leu862Arg)

Gene: RYR1 (ryanodine receptor 1; plus strand). Cytogenetic location: 19q13.2.
Variant type: single nucleotide variant.
Coding change: c.2585T>G on transcript NM_000540.3 (MANE Select); coding-DNA position 2585, T replaced by G.
Protein change: p.Leu862Arg; replaces leucine 862 with arginine.
Molecular consequence: missense variant.
Genome position (GRCh38, 1-based): chr19:38,463,430, T>G. VCF-style: chr19-38463430-T-G. GRCh37 (hg19) VCF-style: chr19-38954070-T-G.
Other names: c.2585T>G, p.Leu862Arg (NM_001042723.2); short protein forms L862R.
Identifiers: ClinVar variation 3075029 (VCV003075029.1), dbSNP rs2514073589, ClinGen allele CA405631707.

ClinVar aggregate classification (germline): Uncertain significance (1 of 4 stars; one submission).

Conditions:
Malignant hyperthermia, susceptibility to, 1 (MHS1). Also called: Anesthesia related hyperthermia; Malignant hyperpyrexia; Fulminating hyperpyrexia; Pharmacogenic myopathy; RYR1-Related Malignant Hyperthermia Susceptibility; Malignant hyperthermia suceptibility 1. Identifiers: Orphanet 423, MedGen C2930980, MONDO:0007783, OMIM 145600.

Submission:

All of Us Research Program, National Institutes of Health
Classification: Uncertain significance for Malignant hyperthermia, susceptibility to, 1. Last evaluated: 2023-12-13. Review status: criteria provided, single submitter. Criteria: ACMG Guidelines, 2015. Collection method: clinical testing. Allele origin: germline. Inheritance: Autosomal dominant inheritance. Observed: 1 variant allele, 1 heterozygote.
Comment: This missense variant replaces leucine with arginine at codon 862 of the RYR1 protein. Computational prediction suggests that this variant may have deleterious impact on protein structure and function (internally defined REVEL score threshold >= 0.7, PMID: 27666373). To our knowledge, functional studies have not been reported for this variant. This variant has not been reported in individuals affected with RYR1-related disorders in the literature. This variant has not been identified in the general population by the Genome Aggregation Database (gnomAD). The available evidence is insufficient to determine the role of this variant in disease conclusively. Therefore, this variant is classified as a Variant of Uncertain Significance.

This study involves interpretation of variants in research participants for the purpose of population health screening. Participant phenotype was not available at the time of variant classification. Additional details can be found in publication PMID: 35346344, PMCID: PMC8962531